The following is an entry in ClinVar:

ClinVar aggregate classification (germline): Uncertain significance (1 of 4 stars; one submission).

Conditions:
Focal segmental glomerulosclerosis 1 (FSGS1). Identifiers: Orphanet 656, MedGen C4551527, MONDO:0011303, OMIM 603278.

gnomAD v4.1: 6 of 1,613,598 alleles (0.00037%); highest among the groups gnomAD compares: South Asian, 0.0033%; no homozygotes.

Submission:

Juno Genomics, Hangzhou Juno Genomics, Inc
Classification: Uncertain significance for Focal segmental glomerulosclerosis 1. Review status: criteria provided, single submitter. Criteria: ACMG Guidelines, 2015. Collection method: clinical testing. Allele origin: germline.
Comment: Absent from controls (or at extremely low frequency if recessive) in Genome Aggregation Database.;Missense variant in a gene that has a low rate of benign missense variation.

NM_004924.6(ACTN4):c.1420G>A (p.Ala474Thr)

Gene: ACTN4 (actinin alpha 4; plus strand). Cytogenetic location: 19q13.2.
Variant type: single nucleotide variant.
Coding change: c.1420G>A on transcript NM_004924.6 (MANE Select); coding-DNA position 1420, G replaced by A.
Protein change: p.Ala474Thr; replaces alanine 474 with threonine.
Molecular consequence: missense variant.
Genome position (GRCh38, 1-based): chr19:38,721,666, G>A. VCF-style: chr19-38721666-G-A. GRCh37 (hg19) VCF-style: chr19-39212306-G-A.
Other names: c.1420G>A, p.Ala474Thr (NM_001322033.2, NM_001411143.1, NM_001440296.1 and 2 more transcripts); c.1168G>A, p.Ala390Thr (NM_001440299.1); short protein forms A390T, A474T.
Identifiers: ClinVar variation 5005992 (VCV005005992.2).